The following is an entry in ClinVar:

ClinVar aggregate classification (germline): Uncertain significance (1 of 4 stars; one submission).

gnomAD v4.1: 4 of 1,612,728 alleles (0.00025%); highest among the groups gnomAD compares: Non-Finnish European, 0.00034%; no homozygotes.

Submission:

Labcorp Genetics (formerly Invitae), Labcorp
Classification: Uncertain significance. Last evaluated: 2025-12-15. Review status: criteria provided, single submitter. Criteria: Invitae Variant Classification Sherloc (09022015). Collection method: clinical testing. Allele origin: germline.
Comment: This sequence change replaces leucine, which is neutral and non-polar, with proline, which is neutral and non-polar, at codon 50 of the ALPK1 protein (p.Leu50Pro). This variant is not present in population databases (gnomAD no frequency). This variant has not been reported in the literature in individuals affected with ALPK1-related conditions. Invitae Evidence Modeling of protein sequence and biophysical properties (such as structural, functional, and spatial information, amino acid conservation, physicochemical variation, residue mobility, and thermodynamic stability) indicates that this missense variant is expected to disrupt ALPK1 protein function with a positive predictive value of 80%. In summary, the available evidence is currently insufficient to determine the role of this variant in disease. Therefore, it has been classified as a Variant of Uncertain Significance.

NM_025144.4(ALPK1):c.149T>C (p.Leu50Pro)

Gene: ALPK1 (alpha kinase 1; plus strand). Cytogenetic location: 4q25.
Variant type: single nucleotide variant.
Coding change: c.149T>C on transcript NM_025144.4 (MANE Select); coding-DNA position 149, T replaced by C.
Protein change: p.Leu50Pro; replaces leucine 50 with proline.
Molecular consequence: missense variant. On other transcripts: intron variant (1).
Genome position (GRCh38, 1-based): chr4:112,382,425, T>C. VCF-style: chr4-112382425-T-C. GRCh37 (hg19) VCF-style: chr4-113303581-T-C.
Other names: c.149T>C, p.Leu50Pro (NM_001102406.2); c.42+4527T>C (NM_001253884.2); short protein forms L50P.
Identifiers: ClinVar variation 4762045 (VCV004762045.1).
Genomic context (GRCh38, chr4:112,382,425, plus strand): 5'-GCAATTTCCTTACCTGAACTCTGACCTTTTCAGCTTTACTCCCCAGCGAGTTAAGGACCC[T>C]GATCCAGGAGGCAAAGGAAATGAAGTGGCCCTTCGTGCCTGAAAAGTGGCAGTACAAACA-3'
Protein context (NP_079420.3, residues 40-60): RALLPSELRT[Leu50Pro]IQEAKEMKWP